The following is an entry in ClinVar:

NM_016111.4(TELO2):c.1026G>A (p.Thr342=)

Gene: TELO2 (telomere maintenance 2; plus strand). Cytogenetic location: 16p13.3.
Variant type: single nucleotide variant.
Coding change: c.1026G>A on transcript NM_016111.4 (MANE Select); coding-DNA position 1026, G replaced by A.
Protein change: p.Thr342=; no amino-acid change (threonine 342 retained).
Molecular consequence: synonymous variant.
Genome position (GRCh38, 1-based): chr16:1,500,370, G>A. VCF-style: chr16-1500370-G-A. GRCh37 (hg19) VCF-style: chr16-1550371-G-A.
Other names: c.1026G>A, p.Thr342= (NM_001351846.2).
Identifiers: ClinVar variation 1602255 (VCV001602255.22), dbSNP rs144483656, ClinGen allele CA7811917.

ClinVar aggregate classification (germline): Benign. Review status: criteria provided, multiple submitters, no conflicts (2 of 4 stars). 3 submissions from 3 submitters: Benign (3). Last evaluated 2026-10-01.

Allele frequency attached by ClinVar (database versions not stated): 1000 Genomes Project 30x 0.00437; 1000 Genomes Project 0.00439; ESP Exome Variant Server 0.00795; gnomAD exomes 0.01126.
gnomAD v4.1: 17,542 of 1,595,200 alleles (1.1%); highest among the groups gnomAD compares: Non-Finnish European, 1.3%; 136 homozygotes.

Submissions (3):

CeGaT Center for Human Genetics Tuebingen
Classification: Benign. Last evaluated: 2026-10-01. Review status: criteria provided, single submitter. Criteria: CeGaT Center For Human Genetics Tuebingen Variant Classification Criteria Version 2. Collection method: clinical testing. Allele origin: germline. Affected: yes. Observed: 21 variant alleles.
Comment: TELO2: BP4, BP7, BS1, BS2

Labcorp Genetics (formerly Invitae), Labcorp
Classification: Benign. Last evaluated: 2026-02-03. Review status: criteria provided, single submitter. Criteria: Invitae Variant Classification Sherloc (09022015). Collection method: clinical testing. Allele origin: germline.

Breakthrough Genomics
Classification: Benign. Review status: criteria provided, single submitter. Criteria: ACMG Guidelines, 2015. Collection method: not provided. Allele origin: germline. Inheritance: Autosomal recessive inheritance. Affected: yes.